The following is an entry in ClinVar:

NC_012920.1(MT-CO2):m.7819C>A

Gene: MT-CO2 (mitochondrially encoded cytochrome c oxidase II; plus strand).
Variant type: single nucleotide variant.
Genome position: chrM-7819-C-A.
Identifiers: ClinVar variation 235379 (VCV000235379.3), dbSNP rs878853024, ClinGen allele CA10581294.

ClinVar aggregate classification (germline): Likely benign (1 of 4 stars; one submission).

Submission:

Center for Pediatric Genomic Medicine, Children's Mercy Hospital and Clinics
Classification: Likely benign. Last evaluated: 2016-03-18. Review status: criteria provided, single submitter. Criteria: ACMG Guidelines, 2015. Collection method: clinical testing. Allele origin: germline.
ClinVar note: Converted during submission from Likely Benign to Likely benign.